The following is an entry in ClinVar:

ClinVar aggregate classification (germline): Uncertain significance (1 of 4 stars; one submission).

Submission:

Mayo Clinic Laboratories, Mayo Clinic
Classification: Uncertain significance. Last evaluated: 2024-08-28. Review status: criteria provided, single submitter. Criteria: ACMG Guidelines, 2015. Collection method: clinical testing. Allele origin: germline. Observed: 1 variant allele.
Comment: PM1_supporting, PM2, PS4_moderate

Literature cited by the submitters: PubMed 16786531; PubMed 32166871.

NM_000132.4(F8):c.580G>A (p.Ala194Thr)

Gene: F8 (coagulation factor VIII; minus strand). Cytogenetic location: Xq28.
Variant type: single nucleotide variant.
Coding change: c.580G>A on transcript NM_000132.4 (MANE Select); coding-DNA position 580, G replaced by A.
Protein change: p.Ala194Thr; replaces alanine 194 with threonine.
Molecular consequence: missense variant.
Genome position (GRCh38, 1-based): chrX:154,992,957, C>T on the plus strand (G>A on the coding strand, the complement: F8 is on the minus strand). VCF-style: chrX-154992957-C-T. GRCh37 (hg19) VCF-style: chrX-154221232-C-T.
Other names: p.Ala194Thr; short protein forms A194T.
Identifiers: ClinVar variation 3380771 (VCV003380771.1).
Genomic context (GRCh38, chrX:154,992,957, plus strand): 5'-TGCTTATTTCATCTCAATCCTACGCTTTCATACACTTACCTTCTCTACATACTAGTAGGG[C>T]TCCAATGAGGCCTGAATTCAAGTCTTTTACCAGGTCCACATGAGAAAGATATGAGTAGGT-3'
Protein context (NP_000123.1, residues 184-204): VKDLNSGLIG[Ala194Thr]LLVCREGSLA